The following is an entry in ClinVar:

ClinVar aggregate classification (germline): Uncertain significance. Review status: criteria provided, multiple submitters, no conflicts (2 of 4 stars). 2 submissions from 2 submitters: Uncertain significance (2). Last evaluated 2026-01-26.

Conditions:
Hereditary cancer-predisposing syndrome. Also called: Neoplastic Syndromes, Hereditary; Hereditary Cancer Syndrome; Hereditary neoplastic syndrome; Tumor predisposition. Identifiers: Orphanet 140162, MedGen C0027672, MeSH D009386, MONDO:0015356.
Bloom syndrome (BLM). Also called: Bloom-Torre-Machacek syndrome. Identifiers: Orphanet 125, MedGen C0005859, MONDO:0008876, OMIM 210900.

gnomAD v4.1: 1 of 1,612,432 alleles (0.000062%); highest among the groups gnomAD compares: South Asian, 0.0011%; no homozygotes.

Submissions (2):

Labcorp Genetics (formerly Invitae), Labcorp
Classification: Uncertain significance for Bloom syndrome. Last evaluated: 2026-01-26. Review status: criteria provided, single submitter. Criteria: Invitae Variant Classification Sherloc (09022015). Collection method: clinical testing. Allele origin: germline.
Comment: This sequence change replaces lysine, which is basic and polar, with arginine, which is basic and polar, at codon 272 of the BLM protein (p.Lys272Arg). This variant is not present in population databases (gnomAD no frequency). This variant has not been reported in the literature in individuals affected with BLM-related conditions. ClinVar contains an entry for this variant (Variation ID: 1437186). An algorithm developed to predict the effect of missense changes on protein structure and function (PolyPhen-2) suggests that this variant is likely to be tolerated. In summary, the available evidence is currently insufficient to determine the role of this variant in disease. Therefore, it has been classified as a Variant of Uncertain Significance.

Ambry Genetics
Classification: Uncertain significance for Hereditary cancer-predisposing syndrome. Last evaluated: 2024-04-28. Review status: criteria provided, single submitter. Criteria: Ambry Variant Classification Scheme 2023. Collection method: clinical testing. Allele origin: germline.
Comment: The p.K272R variant (also known as c.815A>G), located in coding exon 3 of the BLM gene, results from an A to G substitution at nucleotide position 815. The lysine at codon 272 is replaced by arginine, an amino acid with highly similar properties. This amino acid position is conserved. In addition, this alteration is predicted to be tolerated by in silico analysis. Since supporting evidence is limited at this time, the clinical significance of this alteration remains unclear.

NM_000057.4(BLM):c.815A>G (p.Lys272Arg)

Gene: BLM (BLM RecQ like helicase; plus strand). Cytogenetic location: 15q26.1.
Variant type: single nucleotide variant.
Coding change: c.815A>G on transcript NM_000057.4 (MANE Select); coding-DNA position 815, A replaced by G.
Protein change: p.Lys272Arg; replaces lysine 272 with arginine.
Molecular consequence: missense variant. On other transcripts: 5 prime UTR variant (1).
Genome position (GRCh38, 1-based): chr15:90,751,802, A>G. VCF-style: chr15-90751802-A-G. GRCh37 (hg19) VCF-style: chr15-91295032-A-G.
Other names: c.815A>G, p.Lys272Arg (NM_001287246.2, NM_001287247.2); c.-477A>G (NM_001287248.2); short protein forms K272R.
Identifiers: ClinVar variation 1437186 (VCV001437186.9), dbSNP rs2151149524, ClinGen allele CA393841642.